The following is an entry in ClinVar:

ClinVar aggregate classification (germline): Pathogenic. Review status: criteria provided, multiple submitters, no conflicts (2 of 4 stars). 7 submissions from 7 submitters: Pathogenic (6). 1 of the submissions does not count toward it. Last evaluated 2023-04-25.

Conditions:
Spinocerebellar ataxia type 19/22 (SCA19). Also called: SPINOCEREBELLAR ATAXIA 22; SPINOCEREBELLAR ATAXIA 19. Identifiers: Orphanet 98772, MedGen C1846367, MONDO:0011819, OMIM 607346.

Allele frequency attached by ClinVar (database versions not stated): TOPMed below 0.00001.
gnomAD v4.1: 1 of 1,614,146 alleles (0.000062%); no homozygotes.

Submissions (7):

Athena Diagnostics
Classification: Pathogenic. Last evaluated: 2023-04-25. Review status: criteria provided, single submitter. Criteria: Athena Diagnostics Criteria. Collection method: clinical testing. Allele origin: unknown.
Comment: This variant appears to segregate with disease in at least one family. This variant has not been reported in large, multi-ethnic general populations. Assessment of experimental evidence suggests this variant results in abnormal protein function. In experimental assays, this variant was found to reduce potassium channel current and alter membrane potential, as well as reduce protein half-life and impair surface expression in cells (PMID: 31293010).

Labcorp Genetics (formerly Invitae), Labcorp
Classification: Pathogenic for Spinocerebellar ataxia type 19/22. Last evaluated: 2022-01-03. Review status: criteria provided, single submitter. Criteria: Invitae Variant Classification Sherloc (09022015). Collection method: clinical testing. Allele origin: germline.
Comment: For these reasons, this variant has been classified as Pathogenic. Experimental studies have shown that this missense change affects KCND3 function (PMID: 31293010). Algorithms developed to predict the effect of missense changes on protein structure and function (SIFT, PolyPhen-2, Align-GVGD) all suggest that this variant is likely to be disruptive. ClinVar contains an entry for this variant (Variation ID: 626319). This missense change has been observed in individuals with spinocerebellar ataxia (PMID: 23280837, 29527639). It has also been observed to segregate with disease in related individuals. This variant is not present in population databases (gnomAD no frequency). This sequence change replaces threonine, which is neutral and polar, with methionine, which is neutral and non-polar, at codon 377 of the KCND3 protein (p.Thr377Met).

Laboratorio de Genetica e Diagnostico Molecular, Hospital Israelita Albert Einstein
Classification: Pathogenic for Spinocerebellar ataxia type 19/22. Last evaluated: 2021-07-05. Review status: criteria provided, single submitter. Criteria: ACMG Guidelines, 2015. Collection method: clinical testing. Allele origin: germline. Affected: yes.
Comment: ACMG classification criteria: PS3 supporting, PS4 moderate, PM2 moderate, PP1 strong, PP2 supporting, PP3 supporting

Institute of Medical Genetics and Applied Genomics, University Hospital Tübingen
Classification: Pathogenic. Last evaluated: 2020-10-23. Review status: criteria provided, single submitter. Criteria: ACMG Guidelines, 2015. Collection method: clinical testing. Allele origin: germline. Inheritance: Autosomal dominant inheritance. Affected: yes.

Institute of Human Genetics Munich, TUM University Hospital
Classification: Pathogenic for Spinocerebellar ataxia type 19/22. Last evaluated: 2020-02-28. Review status: criteria provided, single submitter. Criteria: Classification criteria August 2017. Collection method: clinical testing. Allele origin: germline. Inheritance: Autosomal dominant inheritance. Affected: yes. Observed: 1 heterozygote.

Taipei Veterans General Hospital, Neurological Institute
Classification: Pathogenic for Spinocerebellar ataxia type 19/22. Last evaluated: 2019-04-20. Review status: criteria provided, single submitter. Criteria: ACMG Guidelines, 2015. Collection method: clinical testing, in vitro. Allele origin: germline. Inheritance: Autosomal dominant inheritance. Affected: yes. Observed: 1 variant allele. Segregation with disease observed.
Comment: SCA19/22-associated mutation

dominant-negtaive effect on biosynthesis and biophysical properties of wild-type protein

Solve-RD Consortium
Classification: Likely pathogenic for Spinocerebellar ataxia type 19/22. Last evaluated: 2022-06-01. Review status: no assertion criteria provided. Collection method: provider interpretation. Allele origin: inherited. Affected: yes. Not counted in ClinVar's aggregate classification.
Comment: Variant confirmed as disease-causing by referring clinical team

Variant identified during reanalysis of unsolved cases by the Solve-RD project. The Solve-RD project has received funding from the European Union’s Horizon 2020 research and innovation programme under grant agreement No 779257.

Literature cited by the submitters: PubMed 23280837 (cited by Athena Diagnostics and Labcorp Genetics (formerly Invitae), Labcorp); PubMed 29527639 (cited by Athena Diagnostics and Labcorp Genetics (formerly Invitae), Labcorp); PubMed 31293010 (cited by Athena Diagnostics and Labcorp Genetics (formerly Invitae), Labcorp); PubMed 28362824 (cited by Athena Diagnostics); PubMed 34087979 (cited by Athena Diagnostics); PubMed 39825153 (cited by Solve-RD Consortium).

NM_001378969.1(KCND3):c.1130C>T (p.Thr377Met)

Gene: KCND3 (potassium voltage-gated channel subfamily D member 3; minus strand). Cytogenetic location: 1p13.2.
Variant type: single nucleotide variant.
Coding change: c.1130C>T on transcript NM_001378969.1 (MANE Select); coding-DNA position 1130, C replaced by T.
Protein change: p.Thr377Met; replaces threonine 377 with methionine.
Molecular consequence: missense variant.
Genome position (GRCh38, 1-based): chr1:111,787,083, G>A on the plus strand (C>T on the coding strand, the complement: KCND3 is on the minus strand). VCF-style: chr1-111787083-G-A. GRCh37 (hg19) VCF-style: chr1-112329705-G-A.
Other names: c.1130C>T, p.Thr377Met (NM_001378970.1, NM_004980.5, NM_172198.3); short protein forms T377M.
Identifiers: ClinVar variation 626319 (VCV000626319.16), dbSNP rs1571636501, ClinGen allele CA341660948.